The following is an entry in ClinVar:

NM_000545.8(HNF1A):c.535dup (p.His179fs)

Gene: HNF1A (HNF1 homeobox A; plus strand). Cytogenetic location: 12q24.31.
Variant type: Duplication.
Coding change: c.535dup on transcript NM_000545.8 (MANE Select); coding-DNA position 535, one base duplicated (C; older notation c.535dupC).
Protein change: p.His179fs; shifts the reading frame from histidine 179.
Molecular consequence: frameshift variant.
Genome position (GRCh38, 1-based): chr12:120,993,528, C duplicated; the last of 3 consecutive C bases (chr12:120,993,526-120,993,528); duplicating any one gives the same sequence. VCF-style (leftmost placement, unchanged base first): chr12-120993525-A-AC. GRCh37 (hg19) VCF-style: chr12-121431328-A-AC.
Other names: NM_001306179.2:c.535dup; c.535dup, p.His179fs (NM_001306179.2, NM_001406915.1); short protein forms H179fs.
Identifiers: ClinVar variation 3893278 (VCV003893278.1).
Genomic context (GRCh38, chr12:120,993,525, plus strand): 5'-GACGTGGGAAGGTGAGAGTGGCCAGTACCCCACTCACGGCTTTCTGTGCCTGCAGAGTTC[A>AC]CCCATGCAGGGCAGGGAGGGCTGATTGAAGAGCCCACAGGTGATGAGCTACCAACCAAGA-3'

ClinVar aggregate classification (germline): Pathogenic (3 of 4 stars; one submission).

Conditions:
Monogenic diabetes. Identifiers: Orphanet 183625, MedGen C3888631, MONDO:0015967.

Submission:

ClinGen Monogenic Diabetes Variant Curation Expert Panel
Classification: Pathogenic for Monogenic diabetes. Last evaluated: 2025-03-05. Review status: reviewed by expert panel. Criteria: ClinGen Diabetes ACMG Specifications HNF1A V2.1.0. Collection method: curation. Allele origin: germline. Inheritance: Autosomal dominant inheritance.
Comment: The c.535dup variant in the HNF1 homeobox A gene, HNF1A, causes a frameshift in the protein at codon 179 in NM_000545.8), adding nine novel amino acids before encountering a stop codon (p.(His179ProfsTer9)). This variant, located in biologically-relevant exon 3 of 10, is predicted to lead to nonsense mediated decay in a gene in which loss-of-function is an established disease mechanism (PVS1; PMID: 23348805). This variant is absent from gnomAD v2.1.1 (PM2_Supporting). This variant segregated with diabetes with two informative meioses in a single family; however, this does not meet the thresholds for PP1 set by the ClinGen MDEP (PMID: 27236918, internal lab contributors). In summary, c.535dup meets the criteria to be classified as pathogenic for monogenic diabetes. ACMG/AMP criteria applied, as specified by the ClinGen MDEP (specification version 2.1.0, approved 8/11/2023): PVS1, PM2_Supporting, PP4.

Literature cited by the submitters: PubMed 23348805.